The following is an entry in ClinVar:

NM_030665.4(RAI1):c.631C>T (p.Gln211Ter)

Gene: RAI1 (retinoic acid induced 1; plus strand). Cytogenetic location: 17p11.2.
Variant type: single nucleotide variant.
Coding change: c.631C>T on transcript NM_030665.4 (MANE Select); coding-DNA position 631, C replaced by T.
Protein change: p.Gln211Ter; replaces glutamine 211 with a stop codon.
Molecular consequence: nonsense.
Genome position (GRCh38, 1-based): chr17:17,793,579, C>T. VCF-style: chr17-17793579-C-T. GRCh37 (hg19) VCF-style: chr17-17696893-C-T.
Other names: short protein forms Q211*.
Identifiers: ClinVar variation 3897592 (VCV003897592.2).

ClinVar aggregate classification (germline): Pathogenic. Review status: criteria provided, multiple submitters, no conflicts (2 of 4 stars). 2 submissions from 2 submitters: Pathogenic (2). Last evaluated 2025-04-27.

Conditions:
Smith-Magenis syndrome (SMS). Also called: CHROMOSOME 17p11.2 DELETION SYNDROME. Identifiers: Orphanet 819, MedGen C0795864, MONDO:0008434, OMIM 182290.

Submissions (2):

Labcorp Genetics (formerly Invitae), Labcorp
Classification: Pathogenic. Last evaluated: 2025-04-27. Review status: criteria provided, single submitter. Criteria: Invitae Variant Classification Sherloc (09022015). Collection method: clinical testing. Allele origin: germline.
Comment: This sequence change creates a premature translational stop signal (p.Gln211*) in the RAI1 gene. It is expected to result in an absent or disrupted protein product. Loss-of-function variants in RAI1 are known to be pathogenic (PMID: 21857958, 24715852). This variant is not present in population databases (gnomAD no frequency). This variant has not been reported in the literature in individuals affected with RAI1-related conditions. For these reasons, this variant has been classified as Pathogenic.

Genetics Laboratory, UDIAT-Centre Diagnòstic, Hospital Universitari Parc Tauli
Classification: Pathogenic for Smith-Magenis syndrome. Last evaluated: 2022-11-11. Review status: criteria provided, single submitter. Criteria: ACMG Guidelines, 2015. Collection method: clinical testing. Allele origin: unknown. Inheritance: Autosomal dominant inheritance. Affected: yes.
Comment: PVS1_very strong;PM2_supporting;PM6_moderate

Literature cited by the submitters: PubMed 21857958 (cited by Labcorp Genetics (formerly Invitae), Labcorp); PubMed 24715852 (cited by Labcorp Genetics (formerly Invitae), Labcorp).